The following is an entry in ClinVar:

ClinVar aggregate classification (germline): Uncertain significance (1 of 4 stars; one submission).

Conditions:
Gastrointestinal stromal tumor. Also called: Gastrointestinal stromal tumor, somatic; Gastrointestinal stroma tumor. Identifiers: Orphanet 44890, MedGen C0238198, MeSH D046152, MONDO:0011719, OMIM 606764, HP:0100723.

Submission:

Labcorp Genetics (formerly Invitae), Labcorp
Classification: Uncertain significance for Gastrointestinal stromal tumor. Last evaluated: 2019-12-25. Review status: criteria provided, single submitter. Criteria: Invitae Variant Classification Sherloc (09022015). Collection method: clinical testing. Allele origin: germline.
Comment: This variant is not present in population databases (ExAC no frequency). In summary, the available evidence is currently insufficient to determine the role of this variant in disease. Therefore, it has been classified as a Variant of Uncertain Significance. Algorithms developed to predict the effect of missense changes on protein structure and function (SIFT, PolyPhen-2, Align-GVGD) all suggest that this variant is likely to be tolerated, but these predictions have not been confirmed by published functional studies and their clinical significance is uncertain. This variant has not been reported in the literature in individuals with PDGFRA-related conditions. This sequence change replaces isoleucine with asparagine at codon 476 of the PDGFRA protein (p.Ile476Asn). The isoleucine residue is weakly conserved and there is a large physicochemical difference between isoleucine and asparagine.

NM_006206.6(PDGFRA):c.1427T>A (p.Ile476Asn)

Gene: PDGFRA (platelet derived growth factor receptor alpha; plus strand). Cytogenetic location: 4q12.
Variant type: single nucleotide variant.
Coding change: c.1427T>A on transcript NM_006206.6 (MANE Select); coding-DNA position 1427, T replaced by A.
Protein change: p.Ile476Asn; replaces isoleucine 476 with asparagine.
Molecular consequence: missense variant.
Genome position (GRCh38, 1-based): chr4:54,273,599, T>A. VCF-style: chr4-54273599-T-A. GRCh37 (hg19) VCF-style: chr4-55139766-T-A.
Other names: c.1427T>A, p.Ile476Asn (NM_001347827.2, NM_001347829.2); c.1502T>A, p.Ile501Asn (NM_001347828.2); c.1466T>A, p.Ile489Asn (NM_001347830.2); short protein forms I476N, I501N, I489N.
Identifiers: ClinVar variation 851805 (VCV000851805.17), dbSNP rs1723529557, ClinGen allele CA356892545.